The following is an entry in ClinVar:

NM_003263.4(TLR1):c.1518G>A (p.Ser506=)

Gene: TLR1 (toll like receptor 1; minus strand). Cytogenetic location: 4p14.
Variant type: single nucleotide variant.
Coding change: c.1518G>A on transcript NM_003263.4 (MANE Select); coding-DNA position 1518, G replaced by A.
Protein change: p.Ser506=; no amino-acid change (serine 506 retained).
Molecular consequence: synonymous variant.
Genome position (GRCh38, 1-based): chr4:38,797,314, C>T on the plus strand (G>A on the coding strand, the complement: TLR1 is on the minus strand). VCF-style: chr4-38797314-C-T. GRCh37 (hg19) VCF-style: chr4-38798935-C-T.
Other names: NC_000004.11:g.38798935C>T.
Identifiers: ClinVar variation 3059108 (VCV003059108.3), dbSNP rs5743614, ClinGen allele CA2889343.

ClinVar aggregate classification (germline): Benign (0 of 4 stars; one submission).

Conditions:
TLR1-related disorder. Also called: TLR1-related condition.

Allele frequency attached by ClinVar (database versions not stated): gnomAD 0.42443; TOPMed 0.46707; 1000 Genomes Project 0.55950; 1000 Genomes Project 30x 0.56309.

Submissions (3):

PreventionGenetics, part of Exact Sciences
Classification: Benign for TLR1-related condition. Last evaluated: 2019-10-18. Review status: no assertion criteria provided. Collection method: clinical testing. Allele origin: germline.
Comment: This variant is classified as benign based on ACMG/AMP sequence variant interpretation guidelines (Richards et al. 2015 PMID: 25741868, with internal and published modifications).

Dr. Peter K. Rogan Lab, Western University
No classification provided (evidence only). Condition: Thymoma. Review status: no classification provided. Collection method: in vitro. Allele origin: not applicable. Functional consequence: retained intron. Not counted in ClinVar's aggregate classification.

Dr. Peter K. Rogan Lab, Western University
No classification provided (evidence only). Condition: Cholangiocarcinoma. Review status: no classification provided. Collection method: in vitro. Allele origin: not applicable. Functional consequence: retained intron. Not counted in ClinVar's aggregate classification.